The following is an entry in ClinVar:

ClinVar aggregate classification (germline): Likely pathogenic (1 of 4 stars; one submission).

Submission:

Labcorp Genetics (formerly Invitae), Labcorp
Classification: Likely pathogenic. Last evaluated: 2025-05-21. Review status: criteria provided, single submitter. Criteria: Invitae Variant Classification Sherloc (09022015). Collection method: clinical testing. Allele origin: germline.
Comment: This sequence change affects an acceptor splice site in intron 27 of the COL2A1 gene. It is expected to disrupt RNA splicing. Variants that disrupt the donor or acceptor splice site typically lead to a loss of protein function (PMID: 16199547), and loss-of-function variants in COL2A1 are known to be pathogenic (PMID: 20179744). This variant is not present in population databases (gnomAD no frequency). This variant has not been reported in the literature in individuals affected with COL2A1-related conditions. ClinVar contains an entry for this variant (Variation ID: 3644901). Algorithms developed to predict the effect of sequence changes on RNA splicing suggest that this variant may disrupt the consensus splice site. In summary, the currently available evidence indicates that the variant is pathogenic, but additional data are needed to prove that conclusively. Therefore, this variant has been classified as Likely Pathogenic.

Literature cited by the submitters: PubMed 16199547; PubMed 20179744.

NM_001844.5(COL2A1):c.1834-2A>G

Gene: COL2A1 (collagen type II alpha 1 chain; minus strand). Cytogenetic location: 12q13.11.
Variant type: single nucleotide variant.
Coding change: c.1834-2A>G on transcript NM_001844.5 (MANE Select); the canonical splice acceptor site of the intron before coding-DNA position 1834, A replaced by G.
Molecular consequence: splice acceptor variant.
Genome position (GRCh38, 1-based): chr12:47,984,601, T>C on the plus strand (A>G on the coding strand, the complement: COL2A1 is on the minus strand). VCF-style: chr12-47984601-T-C. GRCh37 (hg19) VCF-style: chr12-48378384-T-C.
Other names: c.1627-2A>G (NM_033150.3).
Identifiers: ClinVar variation 3644901 (VCV003644901.2).
Genomic context (GRCh38, chr12:47,984,601, plus strand): 5'-CTTACCCTCAGACCAGGAGCACCAGGCAGTCCCTTCTCACCAGCTTTGCCAGGCTCACCC[T>C]GAAGGAAAGAGAGGGCAGGGCCATGAGGCGGATGGTTTGGGAGGGAGTTGGGGGCAGAGC-3'